The following is an entry in ClinVar:

NM_000166.6(GJB1):c.72G>A (p.Trp24Ter)

Gene: GJB1 (gap junction protein beta 1; plus strand). Cytogenetic location: Xq13.1.
Variant type: single nucleotide variant.
Coding change: c.72G>A on transcript NM_000166.6 (MANE Select); coding-DNA position 72, G replaced by A.
Protein change: p.Trp24Ter; replaces tryptophan 24 with a stop codon.
Molecular consequence: nonsense.
Genome position (GRCh38, 1-based): chrX:71,223,779, G>A. VCF-style: chrX-71223779-G-A. GRCh37 (hg19) VCF-style: chrX-70443629-G-A.
Other names: c.72G>A, p.Trp24Ter (NM_001097642.3, NM_001440770.1); short protein forms W24*.
Identifiers: ClinVar variation 4820223 (VCV004820223.1).

ClinVar aggregate classification (germline): Pathogenic (1 of 4 stars; one submission).

Conditions:
Charcot-Marie-Tooth disease X-linked dominant 1. Also called: GJB1 Disorders: Charcot-Marie-Tooth Neuropathy (CMT1X) and Central Nervous System Phenotypes; CHARCOT-MARIE-TOOTH NEUROPATHY, X-LINKED, 1; CHARCOT-MARIE-TOOTH PERONEAL MUSCULAR ATROPHY, X-LINKED; HEREDITARY MOTOR AND SENSORY NEUROPATHY, X-LINKED; HMSN, X-LINKED; X-linked Charcot-Marie-Tooth disease type 1. Identifiers: Orphanet 101075, MedGen C0393808, MONDO:0010549, OMIM 302800.

Submission:

Center for Human Genetics and Genomic Medicine, Uniklinik Rwth Aachen
Classification: Pathogenic for Charcot-Marie-Tooth disease X-linked dominant 1. Last evaluated: 2026-03-26. Review status: criteria provided, single submitter. Criteria: ACMG Guidelines, 2015. Collection method: clinical testing. Allele origin: paternal. Affected: yes. Observed: 1 variant allele, 1 heterozygote.
Comment: Truncating variants in GJB1 are considered pathogenic; Patient's phenotype and family history is in line with X-chromosomal inheritance; not in public databases (gnomAD v4.1.0): PVS1, PP4, PM2_sup